The following is an entry in ClinVar:

ClinVar aggregate classification (germline): Uncertain significance (1 of 4 stars; one submission).

Conditions:
Epileptic encephalopathy. Identifiers: MedGen C0543888, HP:0200134.

Allele frequency attached by ClinVar (database versions not stated): gnomAD exomes below 0.00001.
gnomAD v4.1: 1 of 1,550,632 alleles (0.000064%); highest among the groups gnomAD compares: Non-Finnish European, 0.000087%; no homozygotes.

Submission:

Labcorp Genetics (formerly Invitae), Labcorp
Classification: Uncertain significance for Epileptic encephalopathy. Last evaluated: 2024-06-03. Review status: criteria provided, single submitter. Criteria: Invitae Variant Classification Sherloc (09022015). Collection method: clinical testing. Allele origin: germline.
Comment: This sequence change replaces glycine, which is neutral and non-polar, with arginine, which is basic and polar, at codon 1499 of the FASN protein (p.Gly1499Arg). This variant is not present in population databases (gnomAD no frequency). This variant has not been reported in the literature in individuals affected with FASN-related conditions. ClinVar contains an entry for this variant (Variation ID: 2101228). Algorithms developed to predict the effect of missense changes on protein structure and function output the following: SIFT: "Not Available"; PolyPhen-2: "Benign"; Align-GVGD: "Not Available". The arginine amino acid residue is found in multiple mammalian species, which suggests that this missense change does not adversely affect protein function. In summary, the available evidence is currently insufficient to determine the role of this variant in disease. Therefore, it has been classified as a Variant of Uncertain Significance.

NM_004104.5(FASN):c.4495G>A (p.Gly1499Arg)

Gene: FASN (fatty acid synthase; minus strand). Cytogenetic location: 17q25.3.
Variant type: single nucleotide variant.
Coding change: c.4495G>A on transcript NM_004104.5 (MANE Select); coding-DNA position 4495, G replaced by A.
Protein change: p.Gly1499Arg; replaces glycine 1499 with arginine.
Molecular consequence: missense variant.
Genome position (GRCh38, 1-based): chr17:82,084,868, C>T on the plus strand (G>A on the coding strand, the complement: FASN is on the minus strand). VCF-style: chr17-82084868-C-T. GRCh37 (hg19) VCF-style: chr17-80042744-C-T.
Other names: short protein forms G1499R.
Identifiers: ClinVar variation 2101228 (VCV002101228.4), dbSNP rs2509833804, ClinGen allele CA401546580.
Genomic context (GRCh38, chr17:82,084,868, plus strand): 5'-GCAGGAAGTGGCGGAAAGCCCCCCAGGCCCCGTCGCGGTAGACGTTCATCACCAGGTCTC[C>T]CTGCAACACCTTCTGCAGTTCTGCGGAGCCCGGGTCCACCTCCGGGACGTGGGAGGTGCT-3'
Protein context (NP_004095.4, residues 1489-1509): GSAELQKVLQ[Gly1499Arg]DLVMNVYRDG